The following is an entry in ClinVar:

NM_003072.5(SMARCA4):c.3258T>C (p.Asp1086=)

Gene: SMARCA4 (SWI/SNF related BAF chromatin remodeling complex subunit ATPase 4; plus strand). Cytogenetic location: 19p13.2.
Variant type: single nucleotide variant.
Coding change: c.3258T>C on transcript NM_003072.5 (MANE Select); coding-DNA position 3258, T replaced by C.
Protein change: p.Asp1086=; no amino-acid change (aspartic acid 1086 retained).
Molecular consequence: synonymous variant. On other transcripts: non-coding transcript variant (1).
Genome position (GRCh38, 1-based): chr19:11,027,826, T>C. VCF-style: chr19-11027826-T-C. GRCh37 (hg19) VCF-style: chr19-11138502-T-C.
Other names: c.3258T>C, p.Asp1086= (NM_001128844.3, NM_001128845.2, NM_001128846.2 and 5 more transcripts).
Identifiers: ClinVar variation 470342 (VCV000470342.12), dbSNP rs1555781763, ClinGen allele CA505491749.

ClinVar aggregate classification (germline): Benign/Likely benign. Review status: criteria provided, multiple submitters, no conflicts (2 of 4 stars). 4 submissions from 4 submitters: Benign (1); Likely benign (3). Last evaluated 2026-07-14.

Conditions:
Rhabdoid tumor predisposition syndrome 2 (RTPS2). Identifiers: Orphanet 231108, Orphanet 69077, MedGen C2750074, MONDO:0013224, OMIM 613325.
Hereditary cancer-predisposing syndrome. Also called: Hereditary Cancer Syndrome; Hereditary neoplastic syndrome; Neoplastic Syndromes, Hereditary; Tumor predisposition. Identifiers: Orphanet 140162, MedGen C0027672, MeSH D009386, MONDO:0015356.

Submissions (4):

Myriad Genetics, Inc.
Classification: Benign for Rhabdoid tumor predisposition syndrome 2. Last evaluated: 2026-07-14. Review status: criteria provided, single submitter. Criteria: Myriad Autosomal Dominant, Autosomal Recessive and X-Linked Classification Criteria (2023). Collection method: clinical testing. Allele origin: unknown.
Comment: This variant is considered benign. This variant is a silent/synonymous amino acid change and it is not expected to impact splicing.

Labcorp Genetics (formerly Invitae), Labcorp
Classification: Likely benign for Rhabdoid tumor predisposition syndrome 2. Last evaluated: 2025-10-13. Review status: criteria provided, single submitter. Criteria: Invitae Variant Classification Sherloc (09022015). Collection method: clinical testing. Allele origin: germline.

Quest Diagnostics Nichols Institute San Juan Capistrano
Classification: Likely benign. Last evaluated: 2025-07-30. Review status: criteria provided, single submitter. Criteria: Quest Diagnostics criteria. Collection method: clinical testing. Allele origin: unknown.

Ambry Genetics
Classification: Likely benign for Hereditary cancer-predisposing syndrome. Last evaluated: 2024-07-25. Review status: criteria provided, single submitter. Criteria: Ambry Variant Classification Scheme 2023. Collection method: clinical testing. Allele origin: germline.

Literature cited by the submitters: PubMed 36315513 (cited by Quest Diagnostics Nichols Institute San Juan Capistrano).